The following is an entry in ClinVar:

NM_144643.4(SCLT1):c.1508G>A (p.Arg503Lys)

Gene: SCLT1 (sodium channel and clathrin linker 1; minus strand). Cytogenetic location: 4q28.2.
Variant type: single nucleotide variant.
Coding change: c.1508G>A on transcript NM_144643.4 (MANE Select); coding-DNA position 1508, G replaced by A.
Protein change: p.Arg503Lys; replaces arginine 503 with lysine.
Molecular consequence: missense variant.
Genome position (GRCh38, 1-based): chr4:128,943,120, C>T on the plus strand (G>A on the coding strand, the complement: SCLT1 is on the minus strand). VCF-style: chr4-128943120-C-T. GRCh37 (hg19) VCF-style: chr4-129864275-C-T.
Other names: short protein forms R503K.
Identifiers: ClinVar variation 770155 (VCV000770155.15), dbSNP rs77885682, ClinGen allele CA3079599.

ClinVar aggregate classification (germline): Benign. Review status: criteria provided, multiple submitters, no conflicts (2 of 4 stars). 4 submissions from 4 submitters: Benign (3). 1 of the submissions does not count toward it. Last evaluated 2026-02-03.

Conditions:
SCLT1-related disorder. Also called: SCLT1-related condition.

Allele frequency attached by ClinVar (database versions not stated): ESP Exome Variant Server 0.00023; gnomAD exomes 0.00300 and 0.00974; gnomAD 0.00565 and 0.00630; ExAC 0.00786; TOPMed 0.00864; 1000 Genomes Project 0.01438; 1000 Genomes Project 30x 0.01499.
gnomAD v4.1: 5,310 of 1,612,654 alleles (0.33%); highest among the groups gnomAD compares: East Asian, 4.7%; 129 homozygotes.

Submissions (4):

Labcorp Genetics (formerly Invitae), Labcorp
Classification: Benign. Last evaluated: 2026-02-03. Review status: criteria provided, single submitter. Criteria: Invitae Variant Classification Sherloc (09022015). Collection method: clinical testing. Allele origin: germline.

Blueprint Genetics
Classification: Benign. Last evaluated: 2024-11-25. Review status: criteria provided, single submitter. Criteria: ACMG Guidelines, 2015. Collection method: clinical testing. Allele origin: germline.

Breakthrough Genomics
Classification: Benign. Review status: criteria provided, single submitter. Criteria: ACMG Guidelines, 2015. Collection method: not provided. Allele origin: germline. Inheritance: Unknown mechanism. Affected: yes.

PreventionGenetics, part of Exact Sciences
Classification: Benign for SCLT1-related condition. Last evaluated: 2019-11-05. Review status: no assertion criteria provided. Collection method: clinical testing. Allele origin: germline. Not counted in ClinVar's aggregate classification.
Comment: This variant is classified as benign based on ACMG/AMP sequence variant interpretation guidelines (Richards et al. 2015 PMID: 25741868, with internal and published modifications).